The following is an entry in ClinVar:

ClinVar aggregate classification (germline): Uncertain significance. Review status: criteria provided, multiple submitters, no conflicts (2 of 4 stars). 2 submissions from 2 submitters: Uncertain significance (2). Last evaluated 2022-05-31.

Submissions (2):

Greenwood Genetic Center Diagnostic Laboratories, Greenwood Genetic Center
Classification: Uncertain significance. Last evaluated: 2022-05-31. Review status: criteria provided, single submitter. Criteria: ACMG Guidelines, 2015. Collection method: clinical testing. Allele origin: germline. Affected: yes.
Comment: Gene of Uncertain Significance

GeneDx
Classification: Uncertain significance. Last evaluated: 2020-08-07. Review status: criteria provided, single submitter. Criteria: GeneDx Variant Classification Process June 2021. Collection method: clinical testing. Allele origin: germline. Affected: yes.
Comment: Not observed in large population cohorts (Lek et al., 2016); In silico analysis, which includes protein predictors and evolutionary conservation, supports a deleterious effect; Has not been previously published as pathogenic or benign to our knowledge

NM_001366145.2(TRPM3):c.988G>C (p.Val330Leu)

Gene: TRPM3 (transient receptor potential cation channel subfamily M member 3; minus strand). Cytogenetic location: 9q21.12.
Variant type: single nucleotide variant.
Coding change: c.988G>C on transcript NM_001366145.2 (MANE Select); coding-DNA position 988, G replaced by C.
Protein change: p.Val330Leu; replaces valine 330 with leucine.
Molecular consequence: missense variant.
Genome position (GRCh38, 1-based): chr9:70,784,265, C>G on the plus strand (G>C on the coding strand, the complement: TRPM3 is on the minus strand). VCF-style: chr9-70784265-C-G. GRCh37 (hg19) VCF-style: chr9-73399181-C-G.
Other names: c.604G>C, p.Val202Leu (NM_001007470.3, NM_206946.5, NM_206947.5); c.988G>C, p.Val330Leu (NM_001007471.4, NM_001366146.2, NM_001366149.2 and 3 more transcripts); c.994G>C, p.Val332Leu (NM_001366141.2, NM_001366142.2, NM_001366143.2 and 1 more transcripts); c.1063G>C, p.Val355Leu (NM_001366147.2, NM_001366148.2, NM_001366152.2); c.529G>C, p.Val177Leu (NM_001366154.2, NM_020952.6, NM_024971.7 and 3 more transcripts); short protein forms V177L, V202L, V330L, V332L, V355L.
Identifiers: ClinVar variation 1311546 (VCV001311546.4), dbSNP rs2130851716, ClinGen allele CA373557288.